The following is an entry in ClinVar:

NM_004553.6(NDUFS6):c.229G>A (p.Val77Met)

Gene: NDUFS6 (NADH:ubiquinone oxidoreductase subunit S6; plus strand). Cytogenetic location: 5p15.33.
Variant type: single nucleotide variant.
Coding change: c.229G>A on transcript NM_004553.6 (MANE Select); coding-DNA position 229, G replaced by A.
Protein change: p.Val77Met; replaces valine 77 with methionine.
Molecular consequence: missense variant.
Genome position (GRCh38, 1-based): chr5:1,814,381, G>A. VCF-style: chr5-1814381-G-A. GRCh37 (hg19) VCF-style: chr5-1814495-G-A.
Other names: p.V77M:GTG>ATG; short protein forms V77M.
Identifiers: ClinVar variation 214819 (VCV000214819.5), dbSNP rs187737486, ClinGen allele CA322260.

ClinVar aggregate classification (germline): Uncertain significance. Review status: criteria provided, multiple submitters, no conflicts (2 of 4 stars). 3 submissions from 3 submitters: Uncertain significance (2). 1 of the submissions does not count toward it. Last evaluated 2025-05-29.

Conditions:
Mitochondrial complex I deficiency. Also called: NADH:Q(1) OXIDOREDUCTASE DEFICIENCY. Identifiers: Orphanet 2609, MedGen C1838979, MeSH C537475, MONDO:0100133.

Allele frequency attached by ClinVar (database versions not stated): gnomAD exomes 0.00004; TOPMed 0.00004; ExAC 0.00006; gnomAD 0.00007; ESP Exome Variant Server 0.00008; 1000 Genomes Project 30x 0.00016; 1000 Genomes Project 0.00020.
gnomAD v4.1: 101 of 1,614,184 alleles (0.0063%); highest among the groups gnomAD compares: East Asian, 0.045%; no homozygotes.

Submissions (3):

GeneDx
Classification: Uncertain significance. Last evaluated: 2025-05-29. Review status: criteria provided, single submitter. Criteria: GeneDx Variant Classification Process June 2021. Collection method: clinical testing. Allele origin: germline. Affected: yes.
Comment: In silico analysis suggests that this missense variant does not alter protein structure/function; Has not been previously published as pathogenic or benign to our knowledge

Breakthrough Genomics
Classification: Uncertain significance. Review status: criteria provided, single submitter. Criteria: ACMG Guidelines, 2015. Collection method: not provided. Allele origin: germline. Inheritance: Autosomal recessive inheritance. Affected: yes.

Natera, Inc.
Classification: Uncertain significance for Mitochondrial complex I deficiency. Last evaluated: 2019-11-11. Review status: no assertion criteria provided. Collection method: clinical testing. Allele origin: germline. Not counted in ClinVar's aggregate classification.